The following is an entry in ClinVar:

NM_018896.5(CACNA1G):c.6013_6014del (p.Leu2005fs)

Gene: CACNA1G (calcium voltage-gated channel subunit alpha1 G; plus strand). Cytogenetic location: 17q21.33.
Variant type: Deletion.
Coding change: c.6013_6014del on transcript NM_018896.5 (MANE Select); coding-DNA positions 6013 to 6014, 2 bases deleted (TT; older notation c.6013_6014delTT).
Protein change: p.Leu2005fs; shifts the reading frame from leucine 2005.
Molecular consequence: frameshift variant. On other transcripts: intron variant (24).
Genome position (GRCh38, 1-based): chr17:50,621,747-50,621,748, TT deleted; deleting any 2 consecutive bases within chr17:50,621,746-50,621,748 gives the same sequence; the c. name uses the placement nearest the transcript's 3' end. VCF-style (leftmost placement, unchanged base first): chr17-50621745-CTT-C. GRCh37 (hg19) VCF-style: chr17-48699106-CTT-C.
Other names: c.5980_5981del, p.Leu1994fs (NM_198377.3); c.5800_5801del, p.Leu1934fs (NM_198383.3); c.5911_5912del, p.Leu1971fs (NM_198396.3); c.5803-2160_5803-2159del (NM_001256325.2); c.5892+1921_5892+1922del (NM_198380.3); c.5749-2160_5749-2159del (NM_198378.3, NM_001256334.2); c.5925+1921_5925+1922del (NM_198385.3); c.5782-2160_5782-2159del (NM_198384.3, NM_001256333.2); and 15 more; short protein forms L1934fs, L1971fs, L1994fs, L2005fs.
Identifiers: ClinVar variation 3342821 (VCV003342821.1).

ClinVar aggregate classification (germline): Uncertain significance (1 of 4 stars; one submission).

Submission:

GeneDx
Classification: Uncertain significance. Last evaluated: 2023-11-13. Review status: criteria provided, single submitter. Criteria: GeneDx Variant Classification Process June 2021. Collection method: clinical testing. Allele origin: germline. Affected: yes.
Comment: Not observed at significant frequency in large population cohorts (gnomAD); Frameshift variant predicted to result in protein truncation or nonsense mediated decay in a gene or region of a gene for which loss of function is not a well-established mechanism of disease; Has not been previously published as pathogenic or benign to our knowledge